The following is an entry in ClinVar:

NM_004260.4(RECQL4):c.40T>G (p.Trp14Gly)

Genes: RECQL4 (RecQ like helicase 4; minus strand), LOC130001411 (ATAC-STARR-seq lymphoblastoid silent region 19699; plus strand). Cytogenetic location: 8q24.3.
Variant type: single nucleotide variant.
Coding change: c.40T>G on transcript NM_004260.4 (MANE Select); coding-DNA position 40, T replaced by G.
Protein change: p.Trp14Gly; replaces tryptophan 14 with glycine.
Molecular consequence: missense variant.
Genome position (GRCh38, 1-based): chr8:144,517,745, A>C on the plus strand (T>G on the coding strand, the complement: RECQL4 is on the minus strand). VCF-style: chr8-144517745-A-C. GRCh37 (hg19) VCF-style: chr8-145743129-A-C.
Other names: c.40T>G (NM_004260.3); short protein forms W14G.
Identifiers: ClinVar variation 1347704 (VCV001347704.5), dbSNP rs758579262, ClinGen allele CA372693864.

ClinVar aggregate classification (germline): Uncertain significance. Review status: criteria provided, multiple submitters, no conflicts (2 of 4 stars). 2 submissions from 2 submitters: Uncertain significance (2). Last evaluated 2025-09-14.

Conditions:
Baller-Gerold syndrome (BGS). Also called: CRANIOSYNOSTOSIS WITH RADIAL DEFECTS. Identifiers: Orphanet 1225, MedGen C0265308, MONDO:0009039, OMIM 218600.
Inborn genetic diseases. Identifiers: MedGen C0950123, MeSH D030342.

Submissions (2):

Ambry Genetics
Classification: Uncertain significance for Inborn genetic diseases. Last evaluated: 2025-09-14. Review status: criteria provided, single submitter. Criteria: Ambry Variant Classification Scheme 2023. Collection method: clinical testing. Allele origin: germline.
Comment: The p.W14G variant (also known as c.40T>G), located in coding exon 1 of the RECQL4 gene, results from a T to G substitution at nucleotide position 40. The tryptophan at codon 14 is replaced by glycine, an amino acid with highly dissimilar properties. This amino acid position is conserved. In addition, the in silico prediction for this alteration is inconclusive. Based on the available evidence, the clinical significance of this variant remains unclear.

Labcorp Genetics (formerly Invitae), Labcorp
Classification: Uncertain significance for Baller-Gerold syndrome. Last evaluated: 2022-08-18. Review status: criteria provided, single submitter. Criteria: Invitae Variant Classification Sherloc (09022015). Collection method: clinical testing. Allele origin: germline.
Comment: This sequence change replaces tryptophan, which is neutral and slightly polar, with glycine, which is neutral and non-polar, at codon 14 of the RECQL4 protein (p.Trp14Gly). In summary, the available evidence is currently insufficient to determine the role of this variant in disease. Therefore, it has been classified as a Variant of Uncertain Significance. Experimental studies and prediction algorithms are not available or were not evaluated, and the functional significance of this variant is currently unknown. ClinVar contains an entry for this variant (Variation ID: 1347704). This variant has not been reported in the literature in individuals affected with RECQL4-related conditions. This variant is not present in population databases (gnomAD no frequency).